The following continues an entry in ClinVar:

NM_001267550.2(TTN):c.32350C>G (p.Leu10784Val)

Gene: TTN. ClinVar aggregate classification (germline): Benign/Likely benign. Benign (16); Likely benign (8).

Submissions 19 to 30 of 30:

Eurofins Ntd Llc (ga)
Classification: Benign. Last evaluated: 2015-11-10. Review status: criteria provided, single submitter. Criteria: EGL Classification Definitions 2015. Collection method: clinical testing. Allele origin: germline. Observed: 1 variant allele, 1 heterozygote.

Laboratory for Molecular Medicine, Mass General Brigham Personalized Medicine
Classification: Benign. Last evaluated: 2015-04-06. Review status: criteria provided, single submitter. Criteria: LMM Criteria. Collection method: clinical testing. Allele origin: germline. Observed: 12 variant alleles.
Comment: p.Leu9540Val in exon 125 of TTN: This variant is not expected to have clinical s ignificance because it has been identified in 1.2% of African chromosomes by the Exome Aggregation Consortium (ExAC; dbSNP rs726 50029).

Ambry Genetics
Classification: Benign for Cardiovascular phenotype. Last evaluated: 2013-07-12. Review status: criteria provided, single submitter. Criteria: Ambry Autosomal Dominant and X-Linked criteria (10/2015). Collection method: clinical testing. Allele origin: germline. Observed: 1 variant allele.

Biesecker Lab/Clinical Genomics Section, National Institutes of Health
Classification: Benign. Last evaluated: 2013-06-24. Review status: criteria provided, single submitter. Criteria: Ng et al. (Circ Cardiovasc Genet. 2013). Collection method: research. Allele origin: unknown. Observed: 4 variant alleles. Study: ClinSeq.
Comment: The study set was not selected for affection status in relation to any cancer. Pathogenicity categories were based on literature curation. See Pubmed ID:23861362 for details.

Medical sequencing

GeneDx
Classification: Benign. Last evaluated: 2013-04-26. Review status: criteria provided, single submitter. Criteria: GeneDx Variant Classification (06012015). Collection method: clinical testing. Allele origin: germline. Affected: yes.
Comment: This variant is considered likely benign or benign based on one or more of the following criteria: it is a conservative change, it occurs at a poorly conserved position in the protein, it is predicted to be benign by multiple in silico algorithms, and/or has population frequency not consistent with disease.

Breakthrough Genomics
Classification: Likely benign. Review status: criteria provided, single submitter. Criteria: ACMG Guidelines, 2015. Collection method: not provided. Allele origin: germline. Inheritance: Autosomal recessive inheritance. Affected: yes.

Clinical Genetics DNA and cytogenetics Diagnostics Lab, Erasmus MC, Erasmus Medical Center
Classification: Benign. Review status: no assertion criteria provided. Collection method: clinical testing. Allele origin: germline. Affected: yes. Study: VKGL Data-share Consensus. Not counted in ClinVar's aggregate classification.

Clinical Genetics, Academic Medical Center
Classification: Benign. Review status: no assertion criteria provided. Collection method: clinical testing. Allele origin: germline. Affected: yes. Study: VKGL Data-share Consensus. Not counted in ClinVar's aggregate classification.

Diagnostic Laboratory, Department of Genetics, University Medical Center Groningen
Classification: Likely benign. Review status: no assertion criteria provided. Collection method: clinical testing. Allele origin: germline. Affected: yes. Study: VKGL Data-share Consensus. Not counted in ClinVar's aggregate classification.

Dr. Peter K. Rogan Lab, Western University
No classification provided (evidence only). Condition: Thyroid cancer, nonmedullary, 1. Review status: no classification provided. Collection method: in vitro. Allele origin: not applicable. Functional consequence: retained intron. Not counted in ClinVar's aggregate classification.

Joint Genome Diagnostic Labs from Nijmegen and Maastricht, Radboudumc and MUMC+
Classification: Benign. Review status: no assertion criteria provided. Collection method: clinical testing. Allele origin: germline. Affected: yes. Study: VKGL Data-share Consensus. Not counted in ClinVar's aggregate classification.

Laboratory of Diagnostic Genome Analysis, Leiden University Medical Center (LUMC)
Classification: Likely benign. Review status: no assertion criteria provided. Collection method: clinical testing. Allele origin: germline. Affected: yes. Study: VKGL Data-share Consensus. Not counted in ClinVar's aggregate classification.

Literature cited by the submitters: PubMed 24503780 (cited by Women's Health and Genetics/Laboratory Corporation of America, LabCorp); PubMed 26516846 (cited by Women's Health and Genetics/Laboratory Corporation of America, LabCorp).